The following is an entry in ClinVar:

ClinVar aggregate classification (germline): Benign (1 of 4 stars; one submission).

gnomAD v4.1: 1,118 of 151,972 alleles (0.74%); highest among the groups gnomAD compares: African/African-American, 2.5%; 8 homozygotes.

Submission:

Molecular Diagnostic Laboratory for Inherited Cardiovascular Disease, Montreal Heart Institute
Classification: Benign. Last evaluated: 2026-03-27. Review status: criteria provided, single submitter. Criteria: ACMG Guidelines, 2015. Collection method: clinical testing. Allele origin: germline. Affected: no.
Comment: BS1

NM_005901.6(SMAD2):c.236+7486G>T

Gene: SMAD2 (SMAD family member 2; minus strand). Cytogenetic location: 18q21.1.
Variant type: single nucleotide variant.
Coding change: c.236+7486G>T on transcript NM_005901.6 (MANE Select); 7486 bases into the intron after coding-DNA position 236, G replaced by T.
Molecular consequence: intron variant.
Genome position (GRCh38, 1-based): chr18:47,889,035, C>A on the plus strand (G>T on the coding strand, the complement: SMAD2 is on the minus strand). VCF-style: chr18-47889035-C-A. GRCh37 (hg19) VCF-style: chr18-45415406-C-A.
Other names: c.236+7486G>T (NM_001135937.3, NM_001003652.4).
Identifiers: ClinVar variation 4820503 (VCV004820503.1), dbSNP rs142075336.
Genomic context (GRCh38, chr18:47,889,035, plus strand): 5'-AGGAACATACTATAACTGAAGGATATATTTGAAATTAAGAACTTACGTAGGCTTAACAGA[C>A]TGAATACAGCACAAAAACAGGATCAGTAAACTCAAAAGTAGATCAACAGAAAATATCTAA-3'